The following is an entry in ClinVar:

ClinVar aggregate classification (germline): Pathogenic. Review status: no assertion criteria provided (0 of 4 stars). 2 submissions from 2 submitters: Pathogenic (2). Last evaluated 2024-03-06.

Conditions:
Vertebral, cardiac, renal, and limb defects syndrome 2. Also called: KYNURENINASE DEFICIENCY, COMPLETE; CONGENITAL NAD DEFICIENCY DISORDER 2. Identifiers: MedGen C4540014, MONDO:0060555, OMIM 617661.
Congenital NAD deficiency disorder. Identifiers: MedGen CN241975.

Allele frequency attached by ClinVar (database versions not stated): TOPMed below 0.00001; gnomAD 0.00001.
gnomAD v4.1: 4 of 1,611,354 alleles (0.00025%); highest among the groups gnomAD compares: Non-Finnish European, 0.00034%; no homozygotes.

Submissions (2):

OMIM
Classification: Pathogenic for VERTEBRAL, CARDIAC, RENAL, AND LIMB DEFECTS SYNDROME 2. Last evaluated: 2024-03-06. Review status: no assertion criteria provided. Collection method: literature only. Allele origin: germline.

Embryology Laboratory, Victor Chang Cardiac Research Institute
Classification: Pathogenic for Congenital NAD Deficiency Disorder. Last evaluated: 2020-11-11. Review status: no assertion criteria provided. Collection method: research. Allele origin: inherited. Inheritance: Autosomal recessive inheritance. Affected: yes. Observed: 1 variant allele, 1 homozygote.

Literature cited by the submitters: PubMed 33942433 (cited by OMIM and Embryology Laboratory, Victor Chang Cardiac Research Institute).

NM_003937.3(KYNU):c.788A>G (p.His263Arg)

Gene: KYNU (kynureninase; plus strand). Cytogenetic location: 2q22.2.
Variant type: single nucleotide variant.
Coding change: c.788A>G on transcript NM_003937.3 (MANE Select); coding-DNA position 788, A replaced by G.
Protein change: p.His263Arg; replaces histidine 263 with arginine.
Molecular consequence: missense variant.
Genome position (GRCh38, 1-based): chr2:142,985,142, A>G. VCF-style: chr2-142985142-A-G. GRCh37 (hg19) VCF-style: chr2-143742711-A-G.
Other names: c.788A>G, p.His263Arg (NM_001032998.2, NM_001199241.2); short protein forms H263R.
Identifiers: ClinVar variation 988089 (VCV000988089.4), dbSNP rs1458654786, ClinGen allele CA348849783.